The following is an entry in ClinVar:

NM_153704.6(TMEM67):c.1580C>T (p.Ala527Val)

Gene: TMEM67 (transmembrane protein 67; plus strand). Cytogenetic location: 8q22.1.
Variant type: single nucleotide variant.
Coding change: c.1580C>T on transcript NM_153704.6 (MANE Select); coding-DNA position 1580, C replaced by T.
Protein change: p.Ala527Val; replaces alanine 527 with valine.
Molecular consequence: missense variant. On other transcripts: non-coding transcript variant (1).
Genome position (GRCh38, 1-based): chr8:93,793,202, C>T. VCF-style: chr8-93793202-C-T. GRCh37 (hg19) VCF-style: chr8-94805430-C-T.
Other names: c.1337C>T, p.Ala446Val (NM_001142301.1); short protein forms A527V, A446V.
Identifiers: ClinVar variation 2099913 (VCV002099913.4), dbSNP rs1353980060, ClinGen allele CA371691122.

ClinVar aggregate classification (germline): Uncertain significance (1 of 4 stars; one submission).

Conditions:
Joubert syndrome. Also called: CEREBELLOPARENCHYMAL DISORDER IV; JOUBERT-BOLTSHAUSER SYNDROME; Familial aplasia of the vermis. Identifiers: Orphanet 475, MedGen C5979921, MONDO:0018772.
Meckel-Gruber syndrome. Also called: DYSENCEPHALIA SPLANCHNOCYSTICA; GRUBER SYNDROME; Dysencephalia splachnocystica. Identifiers: Orphanet 564, MedGen C0265215, MONDO:0018921.

Allele frequency attached by ClinVar (database versions not stated): TOPMed below 0.00001; gnomAD 0.00001.
gnomAD v4.1: 1 of 1,613,532 alleles (0.000062%); highest among the groups gnomAD compares: African/African-American, 0.0013%; no homozygotes.

Submission:

Labcorp Genetics (formerly Invitae), Labcorp
Classification: Uncertain significance for Joubert syndrome; Meckel-Gruber syndrome. Last evaluated: 2023-07-03. Review status: criteria provided, single submitter. Criteria: Invitae Variant Classification Sherloc (09022015). Collection method: clinical testing. Allele origin: germline.
Comment: This sequence change replaces alanine, which is neutral and non-polar, with valine, which is neutral and non-polar, at codon 527 of the TMEM67 protein (p.Ala527Val). This variant is not present in population databases (gnomAD no frequency). This variant has not been reported in the literature in individuals affected with TMEM67-related conditions. ClinVar contains an entry for this variant (Variation ID: 2099913). Advanced modeling of protein sequence and biophysical properties (such as structural, functional, and spatial information, amino acid conservation, physicochemical variation, residue mobility, and thermodynamic stability) performed at Invitae indicates that this missense variant is expected to disrupt TMEM67 protein function. In summary, the available evidence is currently insufficient to determine the role of this variant in disease. Therefore, it has been classified as a Variant of Uncertain Significance.